The following is an entry in ClinVar:

NM_015295.3(SMCHD1):c.488GAA[1] (p.Arg164del)

Gene: SMCHD1 (structural maintenance of chromosomes flexible hinge domain containing 1; plus strand). Cytogenetic location: 18p11.32.
Variant type: Microsatellite.
Coding change: c.488GAA[1] on transcript NM_015295.3 (MANE Select); one copy of the 3-base unit GAA starting at c.488; the reference has two copies in a row; one copy, 3 bases deleted.
Protein change: p.Arg164del; deletes arginine 164.
Molecular consequence: inframe deletion.
Genome position (GRCh38, 1-based): chr18:2,673,347-2,673,349, GAA deleted; deleting any 3 consecutive bases within chr18:2,673,343-2,673,349 gives the same sequence; the position shown is the placement nearest the transcript's 3' end. VCF-style (leftmost placement, unchanged base first): chr18-2673342-TAGA-T. GRCh37 (hg19) VCF-style: chr18-2673341-TAGA-T.
Other names: short protein forms R164del.
Identifiers: ClinVar variation 808341 (VCV000808341.46), dbSNP rs1598293848, ClinGen allele CA915952464.

ClinVar aggregate classification (germline): Uncertain significance. Review status: criteria provided, multiple submitters, no conflicts (2 of 4 stars). 2 submissions from 2 submitters: Uncertain significance (2). Last evaluated 2022-10-19.

Conditions:
Facioscapulohumeral muscular dystrophy 2 (FSHD2). Also called: MUSCULAR DYSTROPHY, FACIOSCAPULOHUMERAL, TYPE 1B; FACIOSCAPULOHUMERAL MUSCULAR DYSTROPHY 2, DIGENIC; FSHD2, DIGENIC. Identifiers: Orphanet 269, MedGen C1834671, MONDO:0008031, OMIM 158901.

Submissions (2):

Labcorp Genetics (formerly Invitae), Labcorp
Classification: Uncertain significance for Facioscapulohumeral muscular dystrophy 2. Last evaluated: 2022-10-19. Review status: criteria provided, single submitter. Criteria: Invitae Variant Classification Sherloc (09022015). Collection method: clinical testing. Allele origin: germline.
Comment: This variant, c.491_493del, results in the deletion of 1 amino acid(s) of the SMCHD1 protein (p.Arg164del), but otherwise preserves the integrity of the reading frame. This variant is not present in population databases (gnomAD no frequency). This variant has not been reported in the literature in individuals affected with SMCHD1-related conditions. Experimental studies and prediction algorithms are not available or were not evaluated, and the functional significance of this variant is currently unknown. In summary, the available evidence is currently insufficient to determine the role of this variant in disease. Therefore, it has been classified as a Variant of Uncertain Significance.

CeGaT Center for Human Genetics Tuebingen
Classification: Uncertain significance. Last evaluated: 2018-01-01. Review status: criteria provided, single submitter. Criteria: CeGaT Center For Human Genetics Tuebingen Variant Classification Criteria Version 2. Collection method: clinical testing. Allele origin: germline. Affected: yes. Observed: 1 variant allele.